The following is an entry in ClinVar:

NM_000157.4(GBA1):c.1224G>A (p.Thr408=)

Genes: GBA1 (glucosylceramidase beta 1; minus strand), LOC106627981 (GBA recombination region; plus strand). Cytogenetic location: 1q22.
Variant type: single nucleotide variant.
Coding change: c.1224G>A on transcript NM_000157.4 (MANE Select); coding-DNA position 1224, G replaced by A.
Protein change: p.Thr408=; no amino-acid change (threonine 408 retained).
Molecular consequence: synonymous variant.
Genome position (GRCh38, 1-based): chr1:155,236,245, C>T on the plus strand (G>A on the coding strand, the complement: GBA1 is on the minus strand). VCF-style: chr1-155236245-C-T. GRCh37 (hg19) VCF-style: chr1-155206036-C-T.
Other names: c.1224G>A, p.Thr408= (NM_001005741.3, NM_001005742.3); c.963G>A, p.Thr321= (NM_001171811.2); c.1077G>A, p.Thr359= (NM_001171812.2).
Identifiers: ClinVar variation 503740 (VCV000503740.53), dbSNP rs138498426, ClinGen allele CA1141598.

ClinVar aggregate classification (germline): Conflicting classifications of pathogenicity. Review status: criteria provided, conflicting classifications (1 of 4 stars). 9 submissions from 8 submitters: Uncertain significance (7); Likely benign (1). 1 of the submissions does not count toward it. Last evaluated 2026-08-01.

Conditions:
Gaucher disease. Also called: Acute cerebral Gaucher disease; Cerebroside lipidosis syndrome; Gaucher splenomegaly; Sphingolipidosis 1; Glucocerebrosidosis; Glucosylceramidase deficiency. Identifiers: Orphanet 355, MedGen C0017205, MONDO:0018150.
Lewy body dementia (DLB). Also called: Lewy Body Disease. Identifiers: MedGen C0752347, MONDO:0007488, OMIM 127750.
Parkinson disease, late-onset (PD). Also called: PARKINSON DISEASE, LATE-ONSET, SUSCEPTIBILITY TO; Susceptibility to Parkinson's Disease; Hereditary late onset Parkinson disease. Identifiers: Orphanet 411602, MedGen C3160718, MONDO:0008199, OMIM 168600.
Gaucher disease type I (GD1). Also called: GAUCHER DISEASE, NONCEREBRAL JUVENILE; GBA DEFICIENCY; GD I; GLUCOCEREBROSIDASE DEFICIENCY; GD 1; Type 1 Gaucher Disease. Identifiers: Orphanet 355, Orphanet 77259, MedGen C1961835, MONDO:0009265, OMIM 230800.
Gaucher disease-ophthalmoplegia-cardiovascular calcification syndrome. Also called: GAUCHER DISEASE, TYPE IIIC. Identifiers: Orphanet 2072, MedGen C1856476, MONDO:0009268, OMIM 231005.
Gaucher disease perinatal lethal. Also called: Gaucher disease collodion type; Gaucher Disease, Perinatal-Lethal Form. Identifiers: Orphanet 85212, MedGen C1842704, MONDO:0011945, OMIM 608013.
Gaucher disease type II (GD2). Also called: GAUCHER DISEASE, ACUTE NEURONOPATHIC TYPE; GD II; Type 2 Gaucher disease (Acute; Infantile); Acute neuronopathic Gaucher's disease. Identifiers: Orphanet 77260, MedGen C0268250, MONDO:0009266, OMIM 230900.
Gaucher disease type III. Also called: GAUCHER DISEASE, CHRONIC NEURONOPATHIC TYPE; GAUCHER DISEASE, JUVENILE AND ADULT, CEREBRAL; GAUCHER DISEASE, SUBACUTE NEURONOPATHIC TYPE; GD III; Type 3 Gaucher disease (Subacute; Juvenile); Subacute neuronopathic Gaucher's disease. Identifiers: Orphanet 355, Orphanet 77261, MedGen C0268251, MONDO:0009267, OMIM 231000.

Allele frequency attached by ClinVar (database versions not stated): ESP Exome Variant Server 0.00015; gnomAD 0.00022 and 0.00023; TOPMed 0.00029; ExAC 0.00035.
gnomAD v4.1: 356 of 1,613,270 alleles (0.022%); highest among the groups gnomAD compares: Middle Eastern, 0.13%; no homozygotes.

Submissions (10):

CeGaT Center for Human Genetics Tuebingen
Classification: Likely benign. Last evaluated: 2026-08-01. Review status: criteria provided, single submitter. Criteria: CeGaT Center For Human Genetics Tuebingen Variant Classification Criteria Version 2. Collection method: clinical testing. Allele origin: germline. Affected: yes. Observed: 9 variant alleles.
Comment: GBA1: BP4, BP7

Women's Health and Genetics/Laboratory Corporation of America, LabCorp
Classification: Uncertain significance. Last evaluated: 2025-11-12. Review status: criteria provided, single submitter. Criteria: LabCorp Variant Classification Summary - May 2015. Collection method: clinical testing. Allele origin: germline.
Comment: Variant summary: GBA1 c.1224G>A (p.Thr408Thr) alters a non-conserved nucleotide located close to a canonical splice site and therefore could affect mRNA splicing, leading to a significantly altered protein sequence. Several computational tools predict a significant impact on normal splicing: Three predict the variant weakens a 5' donor site. One predicts the variant no significant impact on splicing. However, these predictions have yet to be confirmed by functional studies. The variant allele was found at a frequency of 0.00022 in 1613270 control chromosomes. This frequency is not significantly higher than estimated for disease-causing variants in GBA1, allowing no conclusion about variant significance. c.1224G>A has been reported in the literature in individuals affected with Gaucher Disease (Curado_2023) or Parkinson Disease (e.g. den Heijer_2020, Yekeduz_2023, Avenali_2024, Kiewiet_2024, Panteghini_2023, Pachchek_2023, Huertas_2017). These report(s) do not provide unequivocal conclusions about association of the variant with Gaucher Disease. To our knowledge, no experimental evidence demonstrating an impact on protein function has been reported. The following publications have been ascertained in the context of this evaluation (PMID: 37879897, 37685353, 28399184, 28030538, 38535124, 37996455, 37948831, 37027993, 32618053, 35639160, 32658388, 35521899, 35242582, 35893043, 38177146, 38167091, 38843618, 39927608, 40542290). ClinVar contains an entry for this variant (Variation ID: 503740). Based on the evidence outlined above, the variant was classified as uncertain significance.

Blueprint Genetics
Classification: Uncertain significance. Last evaluated: 2024-11-20. Review status: criteria provided, single submitter. Criteria: ACMG Guidelines, 2015. Collection method: clinical testing. Allele origin: germline.

Genome-Nilou Lab
Classification: Uncertain significance for Gaucher disease type I. Last evaluated: 2021-07-14. Review status: criteria provided, single submitter. Criteria: ACMG Guidelines, 2015. Collection method: clinical testing. Allele origin: germline. Affected: no.

Genome-Nilou Lab
Classification: Uncertain significance for Gaucher disease type II. Last evaluated: 2021-07-14. Review status: criteria provided, single submitter. Criteria: ACMG Guidelines, 2015. Collection method: clinical testing. Allele origin: germline. Affected: no.

Fulgent Genetics
Classification: Uncertain significance for Lewy body dementia; Parkinson disease, late-onset; Gaucher disease type I; Gaucher disease type II; Gaucher disease type III; Gaucher disease-ophthalmoplegia-cardiovascular calcification syndrome; Gaucher disease perinatal lethal. Last evaluated: 2021-07-01. Review status: criteria provided, single submitter. Criteria: ACMG Guidelines, 2015. Collection method: clinical testing. Allele origin: unknown.

GeneDx
Classification: Uncertain significance. Last evaluated: 2019-08-27. Review status: criteria provided, single submitter. Criteria: GeneDx Variant Classification Process June 2021. Collection method: clinical testing. Allele origin: germline. Affected: yes.
Comment: In-silico analysis, which includes splice predictors and evolutionary conservation, is inconclusive as to whether the variant alters gene splicing. In the absence of RNA/functional studies, the actual effect of this sequence change is unknown; Has not been reported previously as a pathogenic variant, nor as a benign variant, to our knowledge, however, it has been reported via GBA sequencing in a healthy control subject participating in a Parkinson disease study (Jesus et al., 2016); This variant is associated with the following publications: (PMID: 28030538, 32618053)

Mendelics
Classification: Uncertain significance for Gaucher disease type I. Last evaluated: 2019-05-28. Review status: criteria provided, single submitter. Criteria: Mendelics Assertion Criteria 2017. Collection method: clinical testing. Allele origin: unknown.

Natera, Inc.
Classification: Uncertain significance for Gaucher disease. Last evaluated: 2017-11-17. Review status: no assertion criteria provided. Collection method: clinical testing. Allele origin: germline. Not counted in ClinVar's aggregate classification.

Dr. Peter K. Rogan Lab, Western University
No classification provided (evidence only). Condition: Colon adenocarcinoma. Review status: no classification provided. Collection method: in vitro. Allele origin: not applicable. Functional consequence: retained intron. Not counted in ClinVar's aggregate classification.

Literature cited by the submitters: PubMed 32658388 (cited by Women's Health and Genetics/Laboratory Corporation of America, LabCorp); PubMed 32618053 (cited by Women's Health and Genetics/Laboratory Corporation of America, LabCorp); PubMed 28030538 (cited by Women's Health and Genetics/Laboratory Corporation of America, LabCorp); PubMed 35893043 (cited by Women's Health and Genetics/Laboratory Corporation of America, LabCorp); PubMed 35639160 (cited by Women's Health and Genetics/Laboratory Corporation of America, LabCorp); PubMed 38843618 (cited by Women's Health and Genetics/Laboratory Corporation of America, LabCorp); PubMed 37685353 (cited by Women's Health and Genetics/Laboratory Corporation of America, LabCorp); PubMed 37879897 (cited by Women's Health and Genetics/Laboratory Corporation of America, LabCorp); PubMed 28399184 (cited by Women's Health and Genetics/Laboratory Corporation of America, LabCorp); PubMed 38535124 (cited by Women's Health and Genetics/Laboratory Corporation of America, LabCorp); PubMed 37996455 (cited by Women's Health and Genetics/Laboratory Corporation of America, LabCorp); PubMed 37948831 (cited by Women's Health and Genetics/Laboratory Corporation of America, LabCorp); PubMed 37027993 (cited by Women's Health and Genetics/Laboratory Corporation of America, LabCorp); PubMed 38167091 (cited by Women's Health and Genetics/Laboratory Corporation of America, LabCorp); PubMed 38177146 (cited by Women's Health and Genetics/Laboratory Corporation of America, LabCorp); PubMed 39927608 (cited by Women's Health and Genetics/Laboratory Corporation of America, LabCorp); PubMed 35521899 (cited by Women's Health and Genetics/Laboratory Corporation of America, LabCorp); PubMed 35242582 (cited by Women's Health and Genetics/Laboratory Corporation of America, LabCorp); PubMed 40542290 (cited by Women's Health and Genetics/Laboratory Corporation of America, LabCorp).